The following is an entry in ClinVar:

ClinVar aggregate classification (germline): Uncertain significance. Review status: criteria provided, multiple submitters, no conflicts (2 of 4 stars). 2 submissions from 2 submitters: Uncertain significance (2). Last evaluated 2025-09-25.

Allele frequency attached by ClinVar (database versions not stated): gnomAD exomes 0.00001 and 0.00004; ESP Exome Variant Server 0.00015; gnomAD 0.00019 and 0.00018; TOPMed 0.00015; ExAC 0.00003.
gnomAD v4.1: 45 of 1,609,464 alleles (0.0028%); highest among the groups gnomAD compares: African/African-American, 0.059%; no homozygotes.

Submissions (2):

Ambry Genetics
Classification: Uncertain significance. Last evaluated: 2025-09-25. Review status: criteria provided, single submitter. Criteria: Ambry Variant Classification Scheme 2023. Collection method: clinical testing. Allele origin: germline.

Labcorp Genetics (formerly Invitae), Labcorp
Classification: Uncertain significance. Last evaluated: 2023-12-18. Review status: criteria provided, single submitter. Criteria: Invitae Variant Classification Sherloc (09022015). Collection method: clinical testing. Allele origin: germline.
Comment: This sequence change replaces leucine, which is neutral and non-polar, with isoleucine, which is neutral and non-polar, at codon 1170 of the RUSC2 protein (p.Leu1170Ile). This variant is present in population databases (rs143012463, gnomAD 0.05%). This variant has not been reported in the literature in individuals affected with RUSC2-related conditions. ClinVar contains an entry for this variant (Variation ID: 1353676). An algorithm developed to predict the effect of missense changes on protein structure and function (PolyPhen-2) suggests that this variant is likely to be disruptive. In summary, the available evidence is currently insufficient to determine the role of this variant in disease. Therefore, it has been classified as a Variant of Uncertain Significance.

NM_014806.5(RUSC2):c.3508C>A (p.Leu1170Ile)

Gene: RUSC2 (RUN and SH3 domain containing 2; plus strand). Cytogenetic location: 9p13.3.
Variant type: single nucleotide variant.
Coding change: c.3508C>A on transcript NM_014806.5 (MANE Select); coding-DNA position 3508, C replaced by A.
Protein change: p.Leu1170Ile; replaces leucine 1170 with isoleucine.
Molecular consequence: missense variant. On other transcripts: non-coding transcript variant (1).
Genome position (GRCh38, 1-based): chr9:35,560,148, C>A. VCF-style: chr9-35560148-C-A. GRCh37 (hg19) VCF-style: chr9-35560145-C-A.
Other names: c.3508C>A, p.Leu1170Ile (NM_001135999.2); c.874C>A, p.Leu292Ile (NM_001330740.2); c.3508C>A (NM_001135999.1); short protein forms L1170I, L292I.
Identifiers: ClinVar variation 1353676 (VCV001353676.5), dbSNP rs143012463, ClinGen allele CA5044174.
Genomic context (GRCh38, chr9:35,560,148, plus strand): 5'-CCCGGCCTCTTTGAAGAGCTGCTGCTGCTGCTACAGCCCCTGGCCCTGCTGCCCTTCAGC[C>A]TCGACTTGCTGTTCCAGCACCGGCTGCTGCAAAGTGGGCAGCAGCAGCGGCAGCACAAGG-3'
Protein context (NP_055621.2, residues 1160-1180): LQPLALLPFS[Leu1170Ile]DLLFQHRLLQ